The following is an entry in ClinVar:

NM_015937.6(PIGT):c.1553C>T (p.Pro518Leu)

Gene: PIGT (phosphatidylinositol glycan anchor biosynthesis class T; plus strand). Cytogenetic location: 20q13.12.
Variant type: single nucleotide variant.
Coding change: c.1553C>T on transcript NM_015937.6 (MANE Select); coding-DNA position 1553, C replaced by T.
Protein change: p.Pro518Leu; replaces proline 518 with leucine.
Molecular consequence: missense variant. On other transcripts: non-coding transcript variant (5).
Genome position (GRCh38, 1-based): chr20:45,425,642, C>T. VCF-style: chr20-45425642-C-T. GRCh37 (hg19) VCF-style: chr20-44054282-C-T.
Other names: c.1553C>T (NM_015937.5); c.1385C>T, p.Pro462Leu (NM_001184728.3); c.1352C>T, p.Pro451Leu (NM_001184729.3); c.1247C>T, p.Pro416Leu (NM_001184730.3); short protein forms P518L, P416L, P462L, P451L.
Identifiers: ClinVar variation 1449781 (VCV001449781.8), dbSNP rs765005497, ClinGen allele CA9878316.

ClinVar aggregate classification (germline): Uncertain significance. Review status: criteria provided, multiple submitters, no conflicts (2 of 4 stars). 4 submissions from 4 submitters: Uncertain significance (4). Last evaluated 2026-04-01.

Conditions:
Multiple congenital anomalies-hypotonia-seizures syndrome 3 (MCAHS3). Also called: GLYCOSYLPHOSPHATIDYLINOSITOL BIOSYNTHESIS DEFECT 7. Identifiers: Orphanet 369837, MedGen C3809356, MONDO:0014165, OMIM 615398.

Allele frequency attached by ClinVar (database versions not stated): gnomAD 0.00001 and 0.00002; TOPMed 0.00004; gnomAD exomes 0.00026.
gnomAD v4.1: 316 of 1,613,928 alleles (0.02%); highest among the groups gnomAD compares: South Asian, 0.2%; no homozygotes.

Submissions (4):

CeGaT Center for Human Genetics Tuebingen
Classification: Uncertain significance. Last evaluated: 2026-04-01. Review status: criteria provided, single submitter. Criteria: CeGaT Center For Human Genetics Tuebingen Variant Classification Criteria Version 2. Collection method: clinical testing. Allele origin: germline. Affected: yes. Observed: 1 variant allele.
Comment: PIGT: PM2

GeneDx
Classification: Uncertain significance. Last evaluated: 2025-03-14. Review status: criteria provided, single submitter. Criteria: GeneDx Variant Classification Process June 2021. Collection method: clinical testing. Allele origin: germline. Affected: yes.
Comment: Reported previously in a patient with aortic coarctation who also harbored several variants in other genes (PMID: 35885997); In silico analysis supports that this missense variant has a deleterious effect on protein structure/function; This variant is associated with the following publications: (PMID: 35885997)

Blueprint Genetics
Classification: Uncertain significance. Last evaluated: 2024-09-23. Review status: criteria provided, single submitter. Criteria: ACMG Guidelines, 2015. Collection method: clinical testing. Allele origin: germline.

Labcorp Genetics (formerly Invitae), Labcorp
Classification: Uncertain significance for Multiple congenital anomalies-hypotonia-seizures syndrome 3. Last evaluated: 2023-08-10. Review status: criteria provided, single submitter. Criteria: Invitae Variant Classification Sherloc (09022015). Collection method: clinical testing. Allele origin: germline.
Comment: This variant is present in population databases (rs765005497, gnomAD 0.1%). This variant has not been reported in the literature in individuals affected with PIGT-related conditions. ClinVar contains an entry for this variant (Variation ID: 1449781). Advanced modeling of protein sequence and biophysical properties (such as structural, functional, and spatial information, amino acid conservation, physicochemical variation, residue mobility, and thermodynamic stability) performed at Invitae indicates that this missense variant is expected to disrupt PIGT protein function. In summary, the available evidence is currently insufficient to determine the role of this variant in disease. Therefore, it has been classified as a Variant of Uncertain Significance. This sequence change replaces proline, which is neutral and non-polar, with leucine, which is neutral and non-polar, at codon 518 of the PIGT protein (p.Pro518Leu).